The following is an entry in ClinVar:

ClinVar aggregate classification (germline): Uncertain significance. Review status: criteria provided, multiple submitters, no conflicts (2 of 4 stars). 2 submissions from 2 submitters: Uncertain significance (2). Last evaluated 2025-10-27.

Conditions:
Fanconi anemia (FA). Also called: Fanconi's anemia. Identifiers: Orphanet 84, MedGen C0015625, MeSH D005199, MONDO:0019391.
Inborn genetic diseases. Identifiers: MedGen C0950123, MeSH D030342.

Submissions (2):

Ambry Genetics
Classification: Uncertain significance for Inborn genetic diseases. Last evaluated: 2025-10-27. Review status: criteria provided, single submitter. Criteria: Ambry Variant Classification Scheme 2023. Collection method: clinical testing. Allele origin: germline.
Comment: The p.Y2028C variant (also known as c.6083A>G), located in coding exon 23 of the FANCM gene, results from an A to G substitution at nucleotide position 6083. The tyrosine at codon 2028 is replaced by cysteine, an amino acid with highly dissimilar properties. This amino acid position is conserved. In addition, this alteration is predicted to be tolerated by in silico analysis. Based on the available evidence, the clinical significance of this variant remains unclear.

Labcorp Genetics (formerly Invitae), Labcorp
Classification: Uncertain significance for Fanconi anemia. Last evaluated: 2024-10-27. Review status: criteria provided, single submitter. Criteria: Invitae Variant Classification Sherloc (09022015). Collection method: clinical testing. Allele origin: germline.
Comment: This sequence change replaces tyrosine, which is neutral and polar, with cysteine, which is neutral and slightly polar, at codon 2028 of the FANCM protein (p.Tyr2028Cys). This variant is not present in population databases (gnomAD no frequency). This variant has not been reported in the literature in individuals affected with FANCM-related conditions. An algorithm developed to predict the effect of missense changes on protein structure and function outputs the following: PolyPhen-2: "Benign". The cysteine amino acid residue is found in multiple mammalian species, which suggests that this missense change does not adversely affect protein function. In summary, the available evidence is currently insufficient to determine the role of this variant in disease. Therefore, it has been classified as a Variant of Uncertain Significance.

NM_020937.4(FANCM):c.6083A>G (p.Tyr2028Cys)

Gene: FANCM (FA complementation group M; plus strand). Cytogenetic location: 14q21.2.
Variant type: single nucleotide variant.
Coding change: c.6083A>G on transcript NM_020937.4 (MANE Select); coding-DNA position 6083, A replaced by G.
Protein change: p.Tyr2028Cys; replaces tyrosine 2028 with cysteine.
Molecular consequence: missense variant.
Genome position (GRCh38, 1-based): chr14:45,199,944, A>G. VCF-style: chr14-45199944-A-G. GRCh37 (hg19) VCF-style: chr14-45669147-A-G.
Other names: c.6005A>G, p.Tyr2002Cys (NM_001308133.2); short protein forms Y2002C, Y2028C.
Identifiers: ClinVar variation 3627470 (VCV003627470.3).
Genomic context (GRCh38, chr14:45,199,944, plus strand): 5'-TCTCCATGTATGCACAAGTAACTCATCAGAAGGCTGAGGAGATCTATAGATATATTCACT[A>G]TGTATTTGACATACAAATGTTACCAAATGATCTTAACCAAGATAGACTGAAATCTGATAT-3'
Protein context (NP_065988.1, residues 2018-2038): KAEEIYRYIH[Tyr2028Cys]VFDIQMLPND